The following is an entry in ClinVar:

ClinVar aggregate classification (germline): Uncertain significance (1 of 4 stars; one submission).

Submission:

Labcorp Genetics (formerly Invitae), Labcorp
Classification: Uncertain significance. Last evaluated: 2025-06-23. Review status: criteria provided, single submitter. Criteria: Invitae Variant Classification Sherloc (09022015). Collection method: clinical testing. Allele origin: germline.
Comment: This sequence change replaces serine, which is neutral and polar, with proline, which is neutral and non-polar, at codon 115 of the TNS2 protein (p.Ser115Pro). This variant is not present in population databases (gnomAD no frequency). This variant has not been reported in the literature in individuals affected with TNS2-related conditions. An algorithm developed to predict the effect of missense changes on protein structure and function (PolyPhen-2) suggests that this variant is likely to be disruptive. In summary, the available evidence is currently insufficient to determine the role of this variant in disease. Therefore, it has been classified as a Variant of Uncertain Significance.

NM_170754.4(TNS2):c.313T>C (p.Ser105Pro)

Genes: TNS2 (tensin 2; plus strand), TNS2-AS1 (TNS2 antisense RNA 1; minus strand). Cytogenetic location: 12q13.13.
Variant type: single nucleotide variant.
Coding change: c.313T>C on transcript NM_170754.4 (MANE Select); coding-DNA position 313, T replaced by C.
Protein change: p.Ser105Pro; replaces serine 105 with proline.
Molecular consequence: missense variant. On other transcripts: 5 prime UTR variant (1).
Genome position (GRCh38, 1-based): chr12:53,053,977, T>C. VCF-style: chr12-53053977-T-C. GRCh37 (hg19) VCF-style: chr12-53447761-T-C.
Other names: c.313T>C, p.Ser105Pro (NM_001416202.1, NM_001416204.1); c.244T>C, p.Ser82Pro (NM_001416203.1, NM_015319.3); c.-60T>C (NM_198316.2); short protein forms S105P, S82P.
Identifiers: ClinVar variation 4779795 (VCV004779795.1).